The following is an entry in ClinVar:

ClinVar aggregate classification (germline): Uncertain significance. Review status: criteria provided, multiple submitters, no conflicts (2 of 4 stars). 2 submissions from 2 submitters: Uncertain significance (2). Last evaluated 2022-09-06.

Conditions:
Neonatal-onset encephalopathy with rigidity and seizures. Also called: Lethal neonatal spasticity-epileptic encephalopathy syndrome. Identifiers: Orphanet 435845, MedGen C3281029, MONDO:0013784, OMIM 614498.
Neurodevelopmental disorder with cerebellar atrophy and with or without seizures. Identifiers: MedGen C4748032, MONDO:0020841, OMIM 618056.

Submissions (2):

Labcorp Genetics (formerly Invitae), Labcorp
Classification: Uncertain significance for Neonatal-onset encephalopathy with rigidity and seizures. Last evaluated: 2022-09-06. Review status: criteria provided, single submitter. Criteria: Invitae Variant Classification Sherloc (09022015). Collection method: clinical testing. Allele origin: germline.
Comment: This variant, c.590_592del, results in the deletion of 1 amino acid(s) of the BRAT1 protein (p.Lys197del), but otherwise preserves the integrity of the reading frame. This variant is present in population databases (rs747567777, gnomAD 0.0009%). This variant has not been reported in the literature in individuals affected with BRAT1-related conditions. ClinVar contains an entry for this variant (Variation ID: 472973). Experimental studies and prediction algorithms are not available or were not evaluated, and the functional significance of this variant is currently unknown. In summary, the available evidence is currently insufficient to determine the role of this variant in disease. Therefore, it has been classified as a Variant of Uncertain Significance.

New York Genome Center
Classification: Uncertain significance for Neurodevelopmental disorder with cerebellar atrophy and with or without seizures; Neonatal-onset encephalopathy with rigidity and seizures. Last evaluated: 2020-02-04. Review status: criteria provided, single submitter. Criteria: NYGC Assertion Criteria 2020. Collection method: clinical testing. Allele origin: germline. Observed: 1 heterozygote. Study: CSER-NYCKidSeq.

NM_152743.4(BRAT1):c.587AGA[1] (p.Lys197del)

Gene: BRAT1 (BRCA1 associated ATM activator 1; minus strand). Cytogenetic location: 7p22.3.
Variant type: Microsatellite.
Coding change: c.587AGA[1] on transcript NM_152743.4 (MANE Select); one copy of the 3-base unit AGA starting at c.587; the reference has two copies in a row; one copy, 3 bases deleted; also written c.590_592del.
Protein change: p.Lys197del; deletes lysine 197.
Molecular consequence: inframe deletion. On other transcripts: non-coding transcript variant (1).
Genome position (GRCh38, 1-based): chr7:2,543,801-2,543,803, TCT deleted on the plus strand (AGA on the coding strand, the reverse complement: BRAT1 is on the minus strand); deleting any 3 consecutive bases within chr7:2,543,801-2,543,806 gives the same sequence; the position shown is the placement nearest the transcript's 3' end. VCF-style (leftmost placement, unchanged base first): chr7-2543800-ATCT-A. GRCh37 (hg19) VCF-style: chr7-2583434-ATCT-A.
Other names: c.587AGA[1], p.Lys197del (NM_001350626.2); c.62AGA[1], p.Lys22del (NM_001350627.2); c.590_592del (NM_152743.3); short protein forms K197del, K22del.
Identifiers: ClinVar variation 472973 (VCV000472973.8), dbSNP rs747567777, ClinGen allele CA4128150.